The following is an entry in ClinVar:

ClinVar aggregate classification (germline): Pathogenic (1 of 4 stars; one submission).

Conditions:
Cohen syndrome (COH1). Also called: PEPPER SYNDROME; Cutis verticis gyrata, retinitis pigmentosa, and sensorineural deafness. Identifiers: Orphanet 193, MedGen C0265223, MONDO:0008999, OMIM 216550.

Allele frequency attached by ClinVar (database versions not stated): TOPMed below 0.00001; gnomAD 0.00001.
gnomAD v4.1: 1 of 1,614,016 alleles (0.000062%); highest among the groups gnomAD compares: Non-Finnish European, 0.000085%; no homozygotes.

Submission:

Labcorp Genetics (formerly Invitae), Labcorp
Classification: Pathogenic for Cohen syndrome. Last evaluated: 2023-10-27. Review status: criteria provided, single submitter. Criteria: Invitae Variant Classification Sherloc (09022015). Collection method: clinical testing. Allele origin: germline.
Comment: This sequence change affects an acceptor splice site in intron 58 of the VPS13B gene. It is expected to disrupt RNA splicing. Variants that disrupt the donor or acceptor splice site typically lead to a loss of protein function (PMID: 16199547), and loss-of-function variants in VPS13B are known to be pathogenic (PMID: 15141358, 16648375, 20461111). This variant is not present in population databases (gnomAD no frequency). Disruption of this splice site has been observed in individual(s) with clinical features of Cohen syndrome (Invitae). In at least one individual the data is consistent with being in trans (on the opposite chromosome) from a pathogenic variant. ClinVar contains an entry for this variant (Variation ID: 1067322). Algorithms developed to predict the effect of sequence changes on RNA splicing suggest that this variant may disrupt the consensus splice site. For these reasons, this variant has been classified as Pathogenic.

Literature cited by the submitters: PubMed 16199547; PubMed 15141358; PubMed 16648375; PubMed 20461111.

NM_152564.5(VPS13B):c.11216-1G>C

Gene: VPS13B (vacuolar protein sorting 13 homolog B; plus strand). Cytogenetic location: 8q22.2.
Variant type: single nucleotide variant.
Coding change: c.11216-1G>C on transcript NM_152564.5 (MANE Select); the canonical splice acceptor site of the intron before coding-DNA position 11216, G replaced by C.
Molecular consequence: splice acceptor variant.
Genome position (GRCh38, 1-based): chr8:99,868,288, G>C. VCF-style: chr8-99868288-G-C. GRCh37 (hg19) VCF-style: chr8-100880516-G-C.
Other names: c.11291-1G>C (NM_017890.5).
Identifiers: ClinVar variation 1067322 (VCV001067322.7), dbSNP rs1057517441, ClinGen allele CA371791689.